The following is an entry in ClinVar:

NM_017635.5(KMT5B):c.2019C>T (p.Val673=)

Gene: KMT5B (lysine methyltransferase 5B; minus strand). Cytogenetic location: 11q13.2.
Variant type: single nucleotide variant.
Coding change: c.2019C>T on transcript NM_017635.5 (MANE Select); coding-DNA position 2019, C replaced by T.
Protein change: p.Val673=; no amino-acid change (valine 673 retained).
Molecular consequence: synonymous variant.
Genome position (GRCh38, 1-based): chr11:68,158,327, G>A on the plus strand (C>T on the coding strand, the complement: KMT5B is on the minus strand). VCF-style: chr11-68158327-G-A. GRCh37 (hg19) VCF-style: chr11-67925794-G-A.
Other names: c.1503C>T, p.Val501= (NM_001300907.1, NM_001369428.1, NM_001369429.1 and 4 more transcripts); c.1299C>T, p.Val433= (NM_001300908.2); c.2019C>T, p.Val673= (NM_001369426.1).
Identifiers: ClinVar variation 2642029 (VCV002642029.24), dbSNP rs373774994, ClinGen allele CA6148066.
Genomic context (GRCh38, chr11:68,158,327, plus strand): 5'-TTTTGCAGTTCTAAAGCTGTCTTTTGTTTTGAAGCTATCTGATGTCACAACTGAACAACC[G>A]ACGGGTGAAGGAGCACAGTCTGTGTAGCTCACAGGCACGCCCACAGTGCCACTGTGCTCA-3'
Protein context (NP_060105.3, residues 663-683): VSYTDCAPSP[Val673=]GCSVVTSDSF

ClinVar aggregate classification (germline): Likely benign (1 of 4 stars; one submission).

Allele frequency attached by ClinVar (database versions not stated): ExAC 0.00002; gnomAD 0.00003; TOPMed 0.00003; ESP Exome Variant Server 0.00008.
gnomAD v4.1: 35 of 1,614,004 alleles (0.0022%); highest among the groups gnomAD compares: Middle Eastern, 0.016%; no homozygotes.

Submission:

CeGaT Center for Human Genetics Tuebingen
Classification: Likely benign. Last evaluated: 2023-02-01. Review status: criteria provided, single submitter. Criteria: CeGaT Center For Human Genetics Tuebingen Variant Classification Criteria Version 2. Collection method: clinical testing. Allele origin: germline. Affected: yes. Observed: 1 variant allele.
Comment: KMT5B: BP4, BP7